The following is an entry in ClinVar:

ClinVar aggregate classification (germline): Uncertain significance. Review status: criteria provided, multiple submitters, no conflicts (2 of 4 stars). 3 submissions from 3 submitters: Uncertain significance (3). Last evaluated 2024-04-03.

Conditions:
Autosomal recessive omodysplasia (OMOD1). Also called: MICROMELIC DYSPLASIA, CONGENITAL, WITH DISLOCATION OF RADIUS. Identifiers: Orphanet 2733, Orphanet 93329, MedGen C1850318, MONDO:0009779, OMIM 258315.

Allele frequency attached by ClinVar (database versions not stated): ExAC 0.00003; gnomAD exomes 0.00004; TOPMed 0.00005; gnomAD 0.00006.
gnomAD v4.1: 283 of 1,614,074 alleles (0.018%); highest among the groups gnomAD compares: Non-Finnish European, 0.023%; no homozygotes.

Submissions (3):

Labcorp Genetics (formerly Invitae), Labcorp
Classification: Uncertain significance. Last evaluated: 2024-04-03. Review status: criteria provided, single submitter. Criteria: Invitae Variant Classification Sherloc (09022015). Collection method: clinical testing. Allele origin: germline.
Comment: This sequence change replaces alanine, which is neutral and non-polar, with threonine, which is neutral and polar, at codon 377 of the GPC6 protein (p.Ala377Thr). This variant is present in population databases (rs779691812, gnomAD 0.01%). This variant has not been reported in the literature in individuals affected with GPC6-related conditions. ClinVar contains an entry for this variant (Variation ID: 287156). Advanced modeling of protein sequence and biophysical properties (such as structural, functional, and spatial information, amino acid conservation, physicochemical variation, residue mobility, and thermodynamic stability) performed at Invitae indicates that this missense variant is not expected to disrupt GPC6 protein function with a negative predictive value of 80%. In summary, the available evidence is currently insufficient to determine the role of this variant in disease. Therefore, it has been classified as a Variant of Uncertain Significance.

Illumina Laboratory Services, Illumina
Classification: Uncertain significance for Autosomal recessive omodysplasia. Last evaluated: 2018-01-13. Review status: criteria provided, single submitter. Criteria: ICSL Variant Classification Criteria 13 December 2019. Collection method: clinical testing. Allele origin: germline.

Eurofins Ntd Llc (ga)
Classification: Uncertain significance. Last evaluated: 2016-03-31. Review status: criteria provided, single submitter. Criteria: EGL Classification Definitions 2015. Collection method: clinical testing. Allele origin: germline. Observed: 1 variant allele, 1 heterozygote.

NM_005708.5(GPC6):c.1129G>A (p.Ala377Thr)

Gene: GPC6 (glypican 6; plus strand). Cytogenetic location: 13q31.3.
Variant type: single nucleotide variant.
Coding change: c.1129G>A on transcript NM_005708.5 (MANE Select); coding-DNA position 1129, G replaced by A.
Protein change: p.Ala377Thr; replaces alanine 377 with threonine.
Molecular consequence: missense variant.
Genome position (GRCh38, 1-based): chr13:94,306,100, G>A. VCF-style: chr13-94306100-G-A. GRCh37 (hg19) VCF-style: chr13-94958354-G-A.
Other names: short protein forms A377T.
Identifiers: ClinVar variation 287156 (VCV000287156.15), dbSNP rs779691812, ClinGen allele CA7017063.